The following is an entry in ClinVar:

NM_025132.4(WDR19):c.11T>C (p.Ile4Thr)

Gene: WDR19 (WD repeat domain 19; plus strand). Cytogenetic location: 4p14.
Variant type: single nucleotide variant.
Coding change: c.11T>C on transcript NM_025132.4 (MANE Select); coding-DNA position 11, T replaced by C.
Protein change: p.Ile4Thr; replaces isoleucine 4 with threonine.
Molecular consequence: missense variant. On other transcripts: 5 prime UTR variant (1).
Genome position (GRCh38, 1-based): chr4:39,185,730, T>C. VCF-style: chr4-39185730-T-C. GRCh37 (hg19) VCF-style: chr4-39187350-T-C.
Other names: c.-354T>C (NM_001317924.2); short protein forms I4T.
Identifiers: ClinVar variation 1383204 (VCV001383204.6), dbSNP rs2109740507, ClinGen allele CA356630210.

ClinVar aggregate classification (germline): Uncertain significance (1 of 4 stars; one submission).

Conditions:
Asphyxiating thoracic dystrophy 5 (SRTD5). Also called: SHORT-RIB THORACIC DYSPLASIA 5 WITH OR WITHOUT POLYDACTYLY; SHORT-RIB THORACIC DYSPLASIA 5 WITHOUT POLYDACTYLY. Identifiers: Orphanet 474, MedGen C3280598, MONDO:0013717, OMIM 614376.
Senior-Loken syndrome 8 (SLSN8). Identifiers: Orphanet 3156, MedGen C4225376, MONDO:0014579, OMIM 616307.

Submission:

Labcorp Genetics (formerly Invitae), Labcorp
Classification: Uncertain significance for Senior-Loken syndrome 8; Asphyxiating thoracic dystrophy 5. Last evaluated: 2021-11-01. Review status: criteria provided, single submitter. Criteria: Invitae Variant Classification Sherloc (09022015). Collection method: clinical testing. Allele origin: germline.
Comment: In summary, the available evidence is currently insufficient to determine the role of this variant in disease. Therefore, it has been classified as a Variant of Uncertain Significance. Algorithms developed to predict the effect of missense changes on protein structure and function are either unavailable or do not agree on the potential impact of this missense change (SIFT: "Deleterious"; PolyPhen-2: "Benign"; Align-GVGD: "Class C0"). This variant has not been reported in the literature in individuals affected with WDR19-related conditions. This variant is not present in population databases (gnomAD no frequency). This sequence change replaces isoleucine, which is neutral and non-polar, with threonine, which is neutral and polar, at codon 4 of the WDR19 protein (p.Ile4Thr).